The following is an entry in ClinVar:

ClinVar aggregate classification (germline): Conflicting classifications of pathogenicity. Review status: criteria provided, conflicting classifications (1 of 4 stars). 8 submissions from 8 submitters: Uncertain significance (5); Likely benign (2). 1 of the submissions does not count toward it. Last evaluated 2026-01-28.

Conditions:
BRAT1-related disorder. Also called: BRAT1-related disorders; BRAT1-related condition.
Inborn genetic diseases. Identifiers: MedGen C0950123, MeSH D030342.
Neonatal-onset encephalopathy with rigidity and seizures. Also called: Lethal neonatal spasticity-epileptic encephalopathy syndrome. Identifiers: Orphanet 435845, MedGen C3281029, MONDO:0013784, OMIM 614498.

Allele frequency attached by ClinVar (database versions not stated): gnomAD exomes 0.00011 and 0.00025; ExAC 0.00028; gnomAD 0.00070 and 0.00075; TOPMed 0.00074; ESP Exome Variant Server 0.00077; 1000 Genomes Project 0.00080; 1000 Genomes Project 30x 0.00094.

Submissions (8):

Labcorp Genetics (formerly Invitae), Labcorp
Classification: Likely benign for Neonatal-onset encephalopathy with rigidity and seizures. Last evaluated: 2026-01-28. Review status: criteria provided, single submitter. Criteria: Invitae Variant Classification Sherloc (09022015). Collection method: clinical testing. Allele origin: germline.

Athena Diagnostics
Classification: Uncertain significance. Last evaluated: 2025-02-06. Review status: criteria provided, single submitter. Criteria: Athena Diagnostics Criteria. Collection method: clinical testing. Allele origin: unknown.
Comment: Available data are insufficient to determine the clinical significance of the variant at this time. The frequency of this variant in the general population is higher than would generally be expected for pathogenic variants in this gene. Polyphen and MutationTaster yielded discordant predictions regarding whether this amino acid change is damaging to the protein.

Blueprint Genetics
Classification: Uncertain significance. Last evaluated: 2024-09-16. Review status: criteria provided, single submitter. Criteria: ACMG Guidelines, 2015. Collection method: clinical testing. Allele origin: germline.

GeneDx
Classification: Uncertain significance. Last evaluated: 2021-10-28. Review status: criteria provided, single submitter. Criteria: GeneDx Variant Classification Process June 2021. Collection method: clinical testing. Allele origin: germline. Affected: yes.
Comment: In silico analysis supports that this missense variant does not alter protein structure/function; Has not been previously published as pathogenic or benign to our knowledge

Ambry Genetics
Classification: Likely benign for Inborn genetic diseases. Last evaluated: 2021-07-13. Review status: criteria provided, single submitter. Criteria: Ambry Variant Classification Scheme 2023. Collection method: clinical testing. Allele origin: germline.

Baylor Genetics
Classification: Uncertain significance for Neonatal-onset encephalopathy with rigidity and seizures. Last evaluated: 2019-10-24. Review status: criteria provided, single submitter. Criteria: ACMG Guidelines, 2015. Collection method: clinical testing. Allele origin: unknown. Affected: yes.
Comment: This variant was determined to be of uncertain significance according to ACMG Guidelines, 2015 [PMID:25741868].

Breakthrough Genomics
Classification: Uncertain significance. Review status: criteria provided, single submitter. Criteria: ACMG Guidelines, 2015. Collection method: not provided. Allele origin: germline. Inheritance: Autosomal recessive inheritance. Affected: yes.

PreventionGenetics, part of Exact Sciences
Classification: Likely benign for BRAT1-related condition. Last evaluated: 2022-09-22. Review status: no assertion criteria provided. Collection method: clinical testing. Allele origin: germline. Not counted in ClinVar's aggregate classification.
Comment: This variant is classified as likely benign based on ACMG/AMP sequence variant interpretation guidelines (Richards et al. 2015 PMID: 25741868, with internal and published modifications).

Literature cited by the submitters: PubMed 27956632 (cited by Athena Diagnostics); PubMed 31440721 (cited by Athena Diagnostics).

NM_152743.4(BRAT1):c.2147C>T (p.Ala716Val)

Gene: BRAT1 (BRCA1 associated ATM activator 1; minus strand). Cytogenetic location: 7p22.3.
Variant type: single nucleotide variant.
Coding change: c.2147C>T on transcript NM_152743.4 (MANE Select); coding-DNA position 2147, C replaced by T.
Protein change: p.Ala716Val; replaces alanine 716 with valine.
Molecular consequence: missense variant. On other transcripts: non-coding transcript variant (1).
Genome position (GRCh38, 1-based): chr7:2,538,388, G>A on the plus strand (C>T on the coding strand, the complement: BRAT1 is on the minus strand). VCF-style: chr7-2538388-G-A. GRCh37 (hg19) VCF-style: chr7-2578022-G-A.
Other names: c.2327C>T, p.Ala776Val (NM_001350626.2); c.1622C>T, p.Ala541Val (NM_001350627.2); short protein forms A716V, A541V, A776V.
Identifiers: ClinVar variation 540163 (VCV000540163.21), dbSNP rs140802292, ClinGen allele CA4127446.